The following is an entry in ClinVar:

ClinVar aggregate classification (germline): Uncertain significance. Review status: criteria provided, multiple submitters, no conflicts (2 of 4 stars). 3 submissions from 3 submitters: Uncertain significance (3). Last evaluated 2025-06-29.

Conditions:
Inborn genetic diseases. Identifiers: MedGen C0950123, MeSH D030342.

Allele frequency attached by ClinVar (database versions not stated): gnomAD exomes 0.00002; gnomAD 0.00003 and 0.00004; TOPMed 0.00003; ExAC 0.00005; ESP Exome Variant Server 0.00015; 1000 Genomes Project 0.00020; 1000 Genomes Project 30x 0.00031.
gnomAD v4.1: 38 of 1,614,202 alleles (0.0024%); highest among the groups gnomAD compares: Middle Eastern, 0.016%; no homozygotes.

Submissions (3):

Ambry Genetics
Classification: Uncertain significance for Inborn genetic diseases. Last evaluated: 2025-06-29. Review status: criteria provided, single submitter. Criteria: Ambry Variant Classification Scheme 2023. Collection method: clinical testing. Allele origin: germline.

Blueprint Genetics
Classification: Uncertain significance. Last evaluated: 2022-03-14. Review status: criteria provided, single submitter. Criteria: ACMG Guidelines, 2015. Collection method: clinical testing. Allele origin: germline.

Labcorp Genetics (formerly Invitae), Labcorp
Classification: Uncertain significance. Last evaluated: 2022-02-03. Review status: criteria provided, single submitter. Criteria: Invitae Variant Classification Sherloc (09022015). Collection method: clinical testing. Allele origin: germline.
Comment: In summary, the available evidence is currently insufficient to determine the role of this variant in disease. Therefore, it has been classified as a Variant of Uncertain Significance. Advanced modeling of protein sequence and biophysical properties (such as structural, functional, and spatial information, amino acid conservation, physicochemical variation, residue mobility, and thermodynamic stability) performed at Invitae indicates that this missense variant is not expected to disrupt CDHR1 protein function. ClinVar contains an entry for this variant (Variation ID: 849892). This variant has not been reported in the literature in individuals affected with CDHR1-related conditions. This variant is present in population databases (rs202085286, gnomAD 0.01%). This sequence change replaces aspartic acid, which is acidic and polar, with asparagine, which is neutral and polar, at codon 473 of the CDHR1 protein (p.Asp473Asn).

NM_033100.4(CDHR1):c.1417G>A (p.Asp473Asn)

Gene: CDHR1 (cadherin related family member 1; plus strand). Cytogenetic location: 10q23.1.
Variant type: single nucleotide variant.
Coding change: c.1417G>A on transcript NM_033100.4 (MANE Select); coding-DNA position 1417, G replaced by A.
Protein change: p.Asp473Asn; replaces aspartic acid 473 with asparagine.
Molecular consequence: missense variant.
Genome position (GRCh38, 1-based): chr10:84,211,097, G>A. VCF-style: chr10-84211097-G-A. GRCh37 (hg19) VCF-style: chr10-85970853-G-A.
Other names: c.1417G>A, p.Asp473Asn (NM_001171971.3); c.1417G>A (NM_033100.2); short protein forms D473N.
Identifiers: ClinVar variation 849892 (VCV000849892.11), dbSNP rs202085286, ClinGen allele CA5579933.
Genomic context (GRCh38, chr10:84,211,097, plus strand): 5'-AGTTCCACAGCGGATGTTGTGATCCAGCTCCTGGACACCAATGACAATGTCCCCAAGTTC[G>A]ACTCCCTCTACTACGTTGCCAGGATTCCTGAGAACGCCCCAGGGGGCTCCAGCGTGGTGG-3'
Protein context (NP_149091.1, residues 463-483): LDTNDNVPKF[Asp473Asn]SLYYVARIPE